The following is an entry in ClinVar:

ClinVar aggregate classification (germline): Conflicting classifications of pathogenicity. Review status: criteria provided, conflicting classifications (1 of 4 stars). 6 submissions from 6 submitters: Uncertain significance (3); Likely benign (3). Last evaluated 2026-07-01.

Conditions:
KCNT1-related disorder. Also called: KCNT1-related condition.
Autosomal dominant nocturnal frontal lobe epilepsy 5. Also called: CILIARY DYSKINESIA, PRIMARY, 28, WITHOUT SITUS INVERSUS; CILIARY DYSKINESIA, PRIMARY, 28, WITH SITUS INVERSUS; Epilepsy, nocturnal frontal lobe, 5; KCNT1-Related Epilepsy. Identifiers: Orphanet 98784, MedGen C3554306, MONDO:0014002, OMIM 615005.
Developmental and epileptic encephalopathy, 14 (DEE14). Also called: Early infantile epileptic encephalopathy 14. Identifiers: Orphanet 293181, MedGen C3554195, MONDO:0013989, OMIM 614959.

Submissions (6):

CeGaT Center for Human Genetics Tuebingen
Classification: Likely benign. Last evaluated: 2026-07-01. Review status: criteria provided, single submitter. Criteria: CeGaT Center For Human Genetics Tuebingen Variant Classification Criteria Version 2. Collection method: clinical testing. Allele origin: germline. Affected: yes. Observed: 3 variant alleles.
Comment: KCNT1: PM4, BS2

PreventionGenetics, part of Exact Sciences
Classification: Uncertain significance for KCNT1-related condition. Last evaluated: 2025-12-18. Review status: criteria provided, single submitter. Criteria: ACMG Guidelines, 2015. Collection method: clinical testing. Allele origin: germline.
Comment: The KCNT1 c.2061_2066del6 variant is predicted to result in an in-frame deletion (p.Gly691_Gly692del). This variant has been reported in an individual with frontal lobe epilepsy (Krenn et al. 2020. PubMed ID: 32086284). This variant is reported in 0.0092% of alleles in individuals of European (non-Finnish) descent in gnomAD. At this time, the clinical significance of this variant is uncertain due to the absence of conclusive functional and genetic evidence.

Labcorp Genetics (formerly Invitae), Labcorp
Classification: Uncertain significance for Autosomal dominant nocturnal frontal lobe epilepsy 5; Developmental and epileptic encephalopathy, 14. Last evaluated: 2025-10-02. Review status: criteria provided, single submitter. Criteria: Invitae Variant Classification Sherloc (09022015). Collection method: clinical testing. Allele origin: germline.
Comment: This variant, c.2061_2066del, results in the deletion of 2 amino acid(s) of the KCNT1 protein (p.Gly691_Gly692del), but otherwise preserves the integrity of the reading frame. This variant is present in population databases (rs754629346, gnomAD 0.007%). This variant has been observed in individual(s) with frontal lobe epilepsy (PMID: 32086284). ClinVar contains an entry for this variant (Variation ID: 473368). Experimental studies and prediction algorithms are not available or were not evaluated, and the functional significance of this variant is currently unknown. In summary, the available evidence is currently insufficient to determine the role of this variant in disease. Therefore, it has been classified as a Variant of Uncertain Significance.

Center for Genomic Medicine, Rigshospitalet, Copenhagen University Hospital
Classification: Uncertain significance. Last evaluated: 2025-03-04. Review status: criteria provided, single submitter. Criteria: ACMG Guidelines, 2015. Collection method: clinical testing. Allele origin: germline.

Blueprint Genetics
Classification: Likely benign. Last evaluated: 2024-06-19. Review status: criteria provided, single submitter. Criteria: ACMG Guidelines, 2015. Collection method: clinical testing. Allele origin: germline.

GeneDx
Classification: Likely benign. Last evaluated: 2018-11-02. Review status: criteria provided, single submitter. Criteria: GeneDx Variant Classification Process June 2021. Collection method: clinical testing. Allele origin: germline. Affected: yes.
Comment: See Variant Classification Assertion Criteria.

Literature cited by the submitters: PubMed 32086284 (cited by Labcorp Genetics (formerly Invitae), Labcorp and Center for Genomic Medicine, Rigshospitalet, Copenhagen University Hospital); PubMed 35982159 (cited by Center for Genomic Medicine, Rigshospitalet, Copenhagen University Hospital).

NM_020822.3(KCNT1):c.2061_2066del (p.Gly691_Gly692del)

Gene: KCNT1 (potassium sodium-activated channel subfamily T member 1; plus strand). Cytogenetic location: 9q34.3.
Variant type: Deletion.
Coding change: c.2061_2066del on transcript NM_020822.3 (MANE Select); coding-DNA positions 2061 to 2066, 6 bases deleted (CGGTGG; older notation c.2061_2066delCGGTGG).
Protein change: p.Gly691_Gly692del.
Molecular consequence: inframe deletion.
Genome position (GRCh38, 1-based): chr9:135,772,767-135,772,772, CGGTGG deleted; deleting any 6 consecutive bases within chr9:135,772,765-135,772,772 gives the same sequence; the c. name uses the placement nearest the transcript's 3' end. VCF-style (leftmost placement, unchanged base first): chr9-135772764-CGGCGGT-C. GRCh37 (hg19) VCF-style: chr9-138664610-CGGCGGT-C.
Other names: c.1926_1931del, p.Gly646_Gly647del (NM_001272003.2); c.2061_2066del (NM_020822.2); c.2061_2066delCGGTGG (NM_020822.3).
Identifiers: ClinVar variation 473368 (VCV000473368.56), dbSNP rs754629346, ClinGen allele CA5327174.